The following is an entry in ClinVar:

NM_001369.3(DNAH5):c.12495T>A (p.Tyr4165Ter)

Gene: DNAH5 (dynein axonemal heavy chain 5; minus strand). Cytogenetic location: 5p15.2.
Variant type: single nucleotide variant.
Coding change: c.12495T>A on transcript NM_001369.3 (MANE Select); coding-DNA position 12495, T replaced by A.
Protein change: p.Tyr4165Ter; replaces tyrosine 4165 with a stop codon.
Molecular consequence: nonsense.
Genome position (GRCh38, 1-based): chr5:13,718,886, A>T on the plus strand (T>A on the coding strand, the complement: DNAH5 is on the minus strand). VCF-style: chr5-13718886-A-T. GRCh37 (hg19) VCF-style: chr5-13718995-A-T.
Other names: short protein forms Y4165*.
Identifiers: ClinVar variation 941016 (VCV000941016.8), dbSNP rs373536906, ClinGen allele CA359208777.
Genomic context (GRCh38, chr5:13,718,886, plus strand): 5'-GGAAAACAATTTAAGTAAGGAAACTCCTGTAGACTCGCAAGTATTTCTGGACTCACCACT[A>T]TATGTTCTTTTCAGTCCTGCCCGGAGTCCTTGTGGAGGATCGTTGGCAAATTTAATGGAC-3'

ClinVar aggregate classification (germline): Pathogenic (1 of 4 stars; one submission).

Conditions:
Primary ciliary dyskinesia. Also called: Ciliary dyskinesia. Identifiers: Orphanet 244, MedGen C0008780, MONDO:0016575, HP:0012265.

gnomAD v4.1: 1 of 1,610,618 alleles (0.000062%); highest among the groups gnomAD compares: Non-Finnish European, 0.000085%; no homozygotes.

Submission:

Labcorp Genetics (formerly Invitae), Labcorp
Classification: Pathogenic for Primary ciliary dyskinesia. Last evaluated: 2023-03-10. Review status: criteria provided, single submitter. Criteria: Invitae Variant Classification Sherloc (09022015). Collection method: clinical testing. Allele origin: germline.
Comment: For these reasons, this variant has been classified as Pathogenic. ClinVar contains an entry for this variant (Variation ID: 941016). This variant has not been reported in the literature in individuals affected with DNAH5-related conditions. This variant is not present in population databases (gnomAD no frequency). This sequence change creates a premature translational stop signal (p.Tyr4165*) in the DNAH5 gene. It is expected to result in an absent or disrupted protein product. Loss-of-function variants in DNAH5 are known to be pathogenic (PMID: 11788826, 16627867).

Literature cited by the submitters: PubMed 11788826; PubMed 16627867.